The following is an entry in ClinVar:

NM_001853.4(COL9A3):c.792+4C>T

Gene: COL9A3 (collagen type IX alpha 3 chain; plus strand). Cytogenetic location: 20q13.33.
Variant type: single nucleotide variant.
Coding change: c.792+4C>T on transcript NM_001853.4 (MANE Select); 4 bases into the intron after coding-DNA position 792, C replaced by T.
Molecular consequence: intron variant.
Genome position (GRCh38, 1-based): chr20:62,826,824, C>T. VCF-style: chr20-62826824-C-T. GRCh37 (hg19) VCF-style: chr20-61458176-C-T.
Identifiers: ClinVar variation 1355278 (VCV001355278.6), dbSNP rs745984330, ClinGen allele CA9949500.

ClinVar aggregate classification (germline): Uncertain significance (1 of 4 stars; one submission).

Allele frequency attached by ClinVar (database versions not stated): gnomAD 0.00001; gnomAD exomes 0.00001 and 0.00003; ExAC 0.00003.
gnomAD v4.1: 21 of 1,612,616 alleles (0.0013%); highest among the groups gnomAD compares: South Asian, 0.013%; no homozygotes.

Submission:

Labcorp Genetics (formerly Invitae), Labcorp
Classification: Uncertain significance. Last evaluated: 2025-10-26. Review status: criteria provided, single submitter. Criteria: Invitae Variant Classification Sherloc (09022015). Collection method: clinical testing. Allele origin: germline.
Comment: This sequence change falls in intron 15 of the COL9A3 gene. It does not directly change the encoded amino acid sequence of the COL9A3 protein. It affects a nucleotide within the consensus splice site. This variant is present in population databases (rs745984330, gnomAD 0.01%). This variant has not been reported in the literature in individuals affected with COL9A3-related conditions. ClinVar contains an entry for this variant (Variation ID: 1355278). Variants that disrupt the consensus splice site are a relatively common cause of aberrant splicing (PMID: 17576681, 9536098). Algorithms developed to predict the effect of sequence changes on RNA splicing suggest that this variant is not likely to affect RNA splicing. In summary, the available evidence is currently insufficient to determine the role of this variant in disease. Therefore, it has been classified as a Variant of Uncertain Significance.

Literature cited by the submitters: PubMed 17576681; PubMed 9536098.